The following is an entry in ClinVar:

NM_001195263.2(PDZD7):c.275G>A (p.Ser92Asn)

Gene: PDZD7 (PDZ domain containing 7; minus strand). Cytogenetic location: 10q24.31.
Variant type: single nucleotide variant.
Coding change: c.275G>A on transcript NM_001195263.2 (MANE Select); coding-DNA position 275, G replaced by A.
Protein change: p.Ser92Asn; replaces serine 92 with asparagine.
Molecular consequence: missense variant.
Genome position (GRCh38, 1-based): chr10:101,024,020, C>T on the plus strand (G>A on the coding strand, the complement: PDZD7 is on the minus strand). VCF-style: chr10-101024020-C-T. GRCh37 (hg19) VCF-style: chr10-102783777-C-T.
Other names: c.275G>A, p.Ser92Asn (NM_001351044.2, NM_024895.5); short protein forms S92N.
Identifiers: ClinVar variation 2131321 (VCV002131321.4), dbSNP rs748924575, ClinGen allele CA5654460.

ClinVar aggregate classification (germline): Uncertain significance (1 of 4 stars; one submission).

Allele frequency attached by ClinVar (database versions not stated): ExAC 0.00002; gnomAD 0.00008.
gnomAD v4.1: 52 of 1,614,162 alleles (0.0032%); no homozygotes.

Submission:

Labcorp Genetics (formerly Invitae), Labcorp
Classification: Uncertain significance. Last evaluated: 2022-04-28. Review status: criteria provided, single submitter. Criteria: Invitae Variant Classification Sherloc (09022015). Collection method: clinical testing. Allele origin: germline.
Comment: Algorithms developed to predict the effect of missense changes on protein structure and function output the following: SIFT: "Deleterious"; PolyPhen-2: "Not Available"; Align-GVGD: "Class C45". The asparagine amino acid residue is found in multiple mammalian species, which suggests that this missense change does not adversely affect protein function. This sequence change replaces serine, which is neutral and polar, with asparagine, which is neutral and polar, at codon 92 of the PDZD7 protein (p.Ser92Asn). This variant is present in population databases (rs748924575, gnomAD 0.06%). This variant has not been reported in the literature in individuals affected with PDZD7-related conditions. In summary, the available evidence is currently insufficient to determine the role of this variant in disease. Therefore, it has been classified as a Variant of Uncertain Significance.